The following is an entry in ClinVar:

ClinVar aggregate classification (germline): Uncertain significance (1 of 4 stars; one submission).

Conditions:
Fanconi anemia complementation group J. Also called: BRIP1-Related Fanconi Anemia. Identifiers: Orphanet 84, MedGen C1836860, MONDO:0012187, OMIM 609054.
Familial cancer of breast. Also called: BREAST CANCER, FAMILIAL; Hereditary breast cancer; hereditary breast carcinoma. Identifiers: Orphanet 227535, MedGen C0346153, MONDO:0016419, OMIM 114480. Disease mechanism: loss of function.

Submission:

Labcorp Genetics (formerly Invitae), Labcorp
Classification: Uncertain significance for Familial cancer of breast; Fanconi anemia complementation group J. Last evaluated: 2024-06-04. Review status: criteria provided, single submitter. Criteria: Invitae Variant Classification Sherloc (09022015). Collection method: clinical testing. Allele origin: germline.
Comment: This variant, c.3406_3420del, results in the deletion of 5 amino acid(s) of the BRIP1 protein (p.Leu1136_Glu1140del), but otherwise preserves the integrity of the reading frame. This variant is not present in population databases (gnomAD no frequency). This variant has not been reported in the literature in individuals affected with BRIP1-related conditions. Experimental studies and prediction algorithms are not available or were not evaluated, and the functional significance of this variant is currently unknown. In summary, the available evidence is currently insufficient to determine the role of this variant in disease. Therefore, it has been classified as a Variant of Uncertain Significance.

NM_032043.3(BRIP1):c.3406_3420del (p.Leu1136_Glu1140del)

Gene: BRIP1 (BRCA1 interacting DNA helicase 1; minus strand). Cytogenetic location: 17q23.2.
Variant type: Deletion.
Coding change: c.3406_3420del on transcript NM_032043.3 (MANE Select); coding-DNA positions 3406 to 3420, 15 bases deleted (CTTTATGATCCTGAA).
Protein change: p.Leu1136_Glu1140del.
Molecular consequence: inframe deletion.
Genome position (GRCh38, 1-based): chr17:61,683,626-61,683,640, TTCAGGATCATAAAG deleted on the plus strand (CTTTATGATCCTGAA on the coding strand, the reverse complement: BRIP1 is on the minus strand); deleting any 15 consecutive bases within chr17:61,683,626-61,683,646 gives the same sequence; the c. name uses the placement nearest the transcript's 3' end. VCF-style (leftmost placement, unchanged base first): chr17-61683625-CTTCAGGATCATAAAG-C. GRCh37 (hg19) VCF-style: chr17-59760986-CTTCAGGATCATAAAG-C.
Identifiers: ClinVar variation 3763475 (VCV003763475.2).